The following is an entry in ClinVar:

NM_015158.5(KANK1):c.3616G>A (p.Ala1206Thr)

Gene: KANK1 (KN motif and ankyrin repeat domains 1; plus strand). Cytogenetic location: 9p24.3.
Variant type: single nucleotide variant.
Coding change: c.3616G>A on transcript NM_015158.5 (MANE Select); coding-DNA position 3616, G replaced by A.
Protein change: p.Ala1206Thr; replaces alanine 1206 with threonine.
Molecular consequence: missense variant. On other transcripts: non-coding transcript variant (1).
Genome position (GRCh38, 1-based): chr9:740,854, G>A. VCF-style: chr9-740854-G-A. GRCh37 (hg19) VCF-style: chr9-740854-G-A.
Other names: c.3142G>A, p.Ala1048Thr (NM_001354333.2, NM_001354335.2, NM_001354337.2 and 2 more transcripts); c.3616G>A, p.Ala1206Thr (NM_001354334.2, NM_001256876.3, NM_001256877.3); c.2848G>A, p.Ala950Thr (NM_001354336.2); c.3088G>A, p.Ala1030Thr (NM_001354338.2, NM_001354340.2, NM_001354344.2); c.2902G>A, p.Ala968Thr (NM_001354339.2, NM_001354342.2, NM_001354343.2); c.3376G>A, p.Ala1126Thr (NM_001354331.2); c.3562G>A, p.Ala1188Thr (NM_001354332.2); short protein forms A1030T, A950T, A1048T, A1126T, A1188T, A1206T, A968T.
Identifiers: ClinVar variation 2970618 (VCV002970618.3), dbSNP rs779819624, ClinGen allele CA4961064.

ClinVar aggregate classification (germline): Uncertain significance (1 of 4 stars; one submission).

Allele frequency attached by ClinVar (database versions not stated): ExAC 0.00001; TOPMed 0.00001; gnomAD 0.00001.
gnomAD v4.1: 12 of 1,613,360 alleles (0.00074%); highest among the groups gnomAD compares: South Asian, 0.0022%; no homozygotes.

Submission:

Labcorp Genetics (formerly Invitae), Labcorp
Classification: Uncertain significance. Last evaluated: 2025-09-29. Review status: criteria provided, single submitter. Criteria: Invitae Variant Classification Sherloc (09022015). Collection method: clinical testing. Allele origin: germline.
Comment: This sequence change replaces alanine, which is neutral and non-polar, with threonine, which is neutral and polar, at codon 1206 of the KANK1 protein (p.Ala1206Thr). This variant is present in population databases (rs779819624, gnomAD 0.002%). This variant has not been reported in the literature in individuals affected with KANK1-related conditions. ClinVar contains an entry for this variant (Variation ID: 2970618). Invitae Evidence Modeling of protein sequence and biophysical properties (such as structural, functional, and spatial information, amino acid conservation, physicochemical variation, residue mobility, and thermodynamic stability) indicates that this missense variant is expected to disrupt KANK1 protein function with a positive predictive value of 80%. In summary, the available evidence is currently insufficient to determine the role of this variant in disease. Therefore, it has been classified as a Variant of Uncertain Significance.